The following is an entry in ClinVar:

NM_024675.4(PALB2):c.3333_3337delinsCCA (p.Pro1112fs)

Gene: PALB2 (partner and localizer of BRCA2; minus strand). Cytogenetic location: 16p12.2.
Variant type: Indel.
Coding change: c.3333_3337delinsCCA on transcript NM_024675.4 (MANE Select); coding-DNA positions 3333 to 3337, TCCAG replaced by CCA.
Protein change: p.Pro1112fs; shifts the reading frame from proline 1112.
Molecular consequence: frameshift variant. On other transcripts: intron variant (8).
Genome position (GRCh38, 1-based): chr16:23,607,877-23,607,881, CTGGA replaced by TGG on the plus strand (TCCAG replaced by CCA on the coding strand, the reverse complement: PALB2 is on the minus strand). VCF-style: chr16-23607877-CTGGA-TGG. GRCh37 (hg19) VCF-style: chr16-23619198-CTGGA-TGG.
Other names: c.3273_3277delinsCCA, p.Pro1092fs (NM_001407296.1); c.3261_3265delinsCCA, p.Pro1088fs (NM_001407297.1); c.3171_3175delinsCCA, p.Pro1058fs (NM_001407298.1); c.3054_3058delinsCCA, p.Pro1019fs (NM_001407300.1); c.2448_2452delinsCCA, p.Pro817fs (NM_001407304.1, NM_001407305.1, NM_001407306.1); c.2286_2290delinsCCA, p.Pro763fs (NM_001407307.1); c.1545_1549delinsCCA, p.Pro516fs (NM_001407312.1); c.867_871delinsCCA, p.Pro290fs (NM_001407314.1); and 6 more; short protein forms P1019fs, P1058fs, P1088fs, P1092fs, P1112fs, P290fs, P516fs, P763fs.
Identifiers: ClinVar variation 2674056 (VCV002674056.1), dbSNP rs2506213838, ClinGen allele CA2695197578.

ClinVar aggregate classification (germline): Pathogenic (1 of 4 stars; one submission).

Conditions:
Familial cancer of breast. Also called: Hereditary breast cancer; BREAST CANCER, FAMILIAL; hereditary breast carcinoma. Identifiers: Orphanet 227535, MedGen C0346153, MONDO:0016419, OMIM 114480. Disease mechanism: loss of function.

Submission:

Myriad Genetics, Inc.
Classification: Pathogenic for Familial cancer of breast. Last evaluated: 2023-09-15. Review status: criteria provided, single submitter. Criteria: Myriad Autosomal Dominant, Autosomal Recessive and X-Linked Classification Criteria (2023). Collection method: clinical testing. Allele origin: unknown.
Comment: This variant is considered pathogenic. This variant creates a frameshift predicted to result in premature protein truncation.